The following is an entry in ClinVar:

ClinVar aggregate classification (germline): Pathogenic (1 of 4 stars; one submission).

Conditions:
Familial infantile myasthenia (CMS6). Also called: Congenital myasthenic syndrome type 6; MYASTHENIC SYNDROME, CONGENITAL, 6, PRESYNAPTIC; MYASTHENIC SYNDROME, PRESYNAPTIC, CONGENITAL, ASSOCIATED WITH EPISODIC APNEA. Identifiers: Orphanet 590, MedGen C0393929, MONDO:0009689, OMIM 254210.

Allele frequency attached by ClinVar (database versions not stated): gnomAD exomes below 0.00001.

Submission:

Labcorp Genetics (formerly Invitae), Labcorp
Classification: Pathogenic for Familial infantile myasthenia. Last evaluated: 2023-02-16. Review status: criteria provided, single submitter. Criteria: Invitae Variant Classification Sherloc (09022015). Collection method: clinical testing. Allele origin: germline.
Comment: For these reasons, this variant has been classified as Pathogenic. This variant has not been reported in the literature in individuals affected with CHAT-related conditions. This variant is not present in population databases (gnomAD no frequency). This sequence change creates a premature translational stop signal (p.Ala479Profs*17) in the CHAT gene. It is expected to result in an absent or disrupted protein product. Loss-of-function variants in CHAT are known to be pathogenic (PMID: 12548525, 21786365, 23292760).

Literature cited by the submitters: PubMed 12548525; PubMed 21786365; PubMed 23292760.

NM_020549.5(CHAT):c.1435del (p.Ala479fs)

Gene: CHAT (choline O-acetyltransferase; plus strand). Cytogenetic location: 10q11.23.
Variant type: Deletion.
Coding change: c.1435del on transcript NM_020549.5 (MANE Select); coding-DNA position 1435, one base deleted (G; older notation c.1435delG).
Protein change: p.Ala479fs; shifts the reading frame from alanine 479.
Molecular consequence: frameshift variant.
Genome position (GRCh38, 1-based): chr10:49,649,560, G deleted. VCF-style (leftmost placement, unchanged base first): chr10-49649559-CG-C. GRCh37 (hg19) VCF-style: chr10-50857605-CG-C.
Other names: c.1081del, p.Ala361fs (NM_001142929.2, NM_001142934.2, NM_020984.4 and 2 more transcripts); c.1189del, p.Ala397fs (NM_001142933.2); short protein forms A361fs, A397fs, A479fs.
Identifiers: ClinVar variation 2838355 (VCV002838355.3), dbSNP rs2538864120, ClinGen allele CA593374272.